The following is an entry in ClinVar:

NM_001999.4(FBN2):c.2065_2066delinsAA (p.Ala689Asn)

Gene: FBN2 (fibrillin 2; minus strand). Cytogenetic location: 5q23.3.
Variant type: Indel.
Coding change: c.2065_2066delinsAA on transcript NM_001999.4 (MANE Select); coding-DNA positions 2065 to 2066, GC replaced by AA.
Protein change: p.Ala689Asn; replaces alanine 689 with asparagine.
Molecular consequence: missense variant.
Genome position (GRCh38, 1-based): chr5:128,374,657-128,374,658, GC replaced by TT on the plus strand (GC replaced by AA on the coding strand, the reverse complement: FBN2 is on the minus strand). VCF-style: chr5-128374657-GC-TT. GRCh37 (hg19) VCF-style: chr5-127710350-GC-TT.
Other names: short protein forms A689N.
Identifiers: ClinVar variation 222633 (VCV000222633.12), dbSNP rs869025430, ClinGen allele CA352065.

ClinVar aggregate classification (germline): Uncertain significance. Review status: criteria provided, multiple submitters, no conflicts (2 of 4 stars). 2 submissions from 2 submitters: Uncertain significance (2). Last evaluated 2025-09-05.

Conditions:
Familial thoracic aortic aneurysm and aortic dissection (TAAD). Also called: Thoracic aortic aneurysms and dissections. Identifiers: Orphanet 91387, MedGen C4707243, MONDO:0019625.
Congenital contractural arachnodactyly (CCA). Also called: BEALS SYNDROME; Arthrogryposis, distal, type 9; Beals-Hecht syndrome. Identifiers: Orphanet 115, MedGen C0220668, MONDO:0007363, OMIM 121050.

Submissions (2):

Ambry Genetics
Classification: Uncertain significance for Familial thoracic aortic aneurysm and aortic dissection. Last evaluated: 2025-09-05. Review status: criteria provided, single submitter. Criteria: Ambry Variant Classification Scheme 2023. Collection method: clinical testing. Allele origin: germline.
Comment: The c.2065_2066delGCinsAA variant, located in coding exon 15 of the FBN2 gene, results from an in-frame deletion of GC and insertion of AA at nucleotide positions 2065 to 2066. This results in the substitution of the alanine residue for an asparagine residue at codon 689, an amino acid with dissimilar properties. This amino acid position is well conserved in available vertebrate species. In addition, the in silico prediction for this alteration is inconclusive (Choi Y et al. PLoS ONE. 2012; 7(10):e46688). Since supporting evidence is limited at this time, the clinical significance of this alteration remains unclear.

Labcorp Genetics (formerly Invitae), Labcorp
Classification: Uncertain significance for Congenital contractural arachnodactyly. Last evaluated: 2020-03-08. Review status: criteria provided, single submitter. Criteria: Invitae Variant Classification Sherloc (09022015). Collection method: clinical testing. Allele origin: germline.
Comment: This variant is not present in population databases (ExAC no frequency). In summary, the available evidence is currently insufficient to determine the role of this variant in disease. Therefore, it has been classified as a Variant of Uncertain Significance. Algorithms developed to predict the effect of missense changes on protein structure and function are either unavailable or do not agree on the potential impact of this missense change (SIFT: "Not Available"; PolyPhen-2: "Possibly Damaging"; Align-GVGD: "Class Not Available"). This variant has not been reported in the literature in individuals with FBN2-related conditions. ClinVar contains an entry for this variant (Variation ID: 222633). This sequence change replaces alanine with asparagine at codon 689 of the FBN2 protein (p.Ala689Asn). The alanine residue is moderately conserved and there is a moderate physicochemical difference between alanine and asparagine.